The following is an entry in ClinVar:

NM_000548.5(TSC2):c.4494-12dup

Gene: TSC2 (TSC complex subunit 2; plus strand). Cytogenetic location: 16p13.3.
Variant type: Duplication.
Coding change: c.4494-12dup on transcript NM_000548.5 (MANE Select); 12 bases into the intron before coding-DNA position 4494, one base duplicated (C; older notation c.4494-12dupC).
Molecular consequence: intron variant.
Genome position (GRCh38, 1-based): chr16:2,084,939, C duplicated; the last of 4 consecutive C bases (chr16:2,084,936-2,084,939); duplicating any one gives the same sequence. VCF-style (leftmost placement, unchanged base first): chr16-2084935-T-TC. GRCh37 (hg19) VCF-style: chr16-2134936-T-TC.
Other names: c.4425-12dup (NM_001114382.3); c.4365-12dup (NM_021055.3, NM_001370405.1); c.4296-12dup (NM_001363528.2); c.4362-12dup (NM_001370404.1); c.4293-12dup (NM_001077183.3); c.4185-12dup (NM_001318827.2); c.3762-12dup (NM_001318831.2); c.4149-12dup (NM_001318829.2); and 1 more.
Identifiers: ClinVar variation 1210005 (VCV001210005.11), dbSNP rs2090575419, ClinGen allele CA973768003.

ClinVar aggregate classification (germline): Benign/Likely benign. Review status: criteria provided, multiple submitters, no conflicts (2 of 4 stars). 4 submissions from 4 submitters: Benign (1); Likely benign (1). 2 of the submissions do not count toward it. Last evaluated 2025-11-05.

Conditions:
Tuberous sclerosis 2 (TSC2). Identifiers: Orphanet 805, MedGen C1860707, MONDO:0013199, OMIM 613254.

Submissions (4):

Labcorp Genetics (formerly Invitae), Labcorp
Classification: Benign for Tuberous sclerosis 2. Last evaluated: 2025-11-05. Review status: criteria provided, single submitter. Criteria: Invitae Variant Classification Sherloc (09022015). Collection method: clinical testing. Allele origin: germline.

Myriad Genetics, Inc.
Classification: Likely benign for Tuberous sclerosis 2. Last evaluated: 2025-06-03. Review status: criteria provided, single submitter. Criteria: Myriad Autosomal Dominant, Autosomal Recessive and X-Linked Classification Criteria (2023). Collection method: clinical testing. Allele origin: unknown.
Comment: This variant is considered likely benign. This variant is intronic and is not expected to impact mRNA splicing.

Clinical Genetics DNA and cytogenetics Diagnostics Lab, Erasmus MC, Erasmus Medical Center
Classification: Likely benign. Review status: no assertion criteria provided. Collection method: clinical testing. Allele origin: germline. Affected: yes. Study: VKGL Data-share Consensus. Not counted in ClinVar's aggregate classification.

Genome Diagnostics Laboratory, Amsterdam University Medical Center
Classification: Likely benign. Review status: no assertion criteria provided. Collection method: clinical testing. Allele origin: germline. Affected: yes. Study: VKGL Data-share Consensus. Not counted in ClinVar's aggregate classification.